The following is an entry in ClinVar:

ClinVar aggregate classification (germline): Likely benign (1 of 4 stars; one submission).

Submission:

Mayo Clinic Laboratories, Mayo Clinic
Classification: Likely benign. Last evaluated: 2025-07-15. Review status: criteria provided, single submitter. Criteria: ACMG Guidelines, 2015. Collection method: clinical testing. Allele origin: germline. Observed: 1 variant allele.
Comment: BP4, BP7, PM2_supporting

NM_000203.5(IDUA):c.1828+18T>C

Gene: IDUA (alpha-L-iduronidase; plus strand). Cytogenetic location: 4p16.3.
Variant type: single nucleotide variant.
Coding change: c.1828+18T>C on transcript NM_000203.5 (MANE Select); 18 bases into the intron after coding-DNA position 1828, T replaced by C.
Molecular consequence: intron variant.
Genome position (GRCh38, 1-based): chr4:1,004,130, T>C. VCF-style: chr4-1004130-T-C. GRCh37 (hg19) VCF-style: chr4-997918-T-C.
Other names: p.?; c.1432+18T>C (NM_001363576.1).
Identifiers: ClinVar variation 4684776 (VCV004684776.1).